The following is an entry in ClinVar:

NM_004963.4(GUCY2C):c.1123G>A (p.Val375Ile)

Genes: GUCY2C (guanylate cyclase 2C; minus strand), GUCY2C-AS1 (GUCY2C antisense RNA 1; plus strand). Cytogenetic location: 12p12.3.
Variant type: single nucleotide variant.
Coding change: c.1123G>A on transcript NM_004963.4 (MANE Select); coding-DNA position 1123, G replaced by A.
Protein change: p.Val375Ile; replaces valine 375 with isoleucine.
Molecular consequence: missense variant.
Genome position (GRCh38, 1-based): chr12:14,672,920, C>T on the plus strand (G>A on the coding strand, the complement: GUCY2C is on the minus strand). VCF-style: chr12-14672920-C-T. GRCh37 (hg19) VCF-style: chr12-14825854-C-T.
Other names: short protein forms V375I.
Identifiers: ClinVar variation 1677341 (VCV001677341.4), dbSNP rs1410634016, ClinGen allele CA383999861.

ClinVar aggregate classification (germline): Uncertain significance. Review status: criteria provided, multiple submitters, no conflicts (2 of 4 stars). 2 submissions from 2 submitters: Uncertain significance (2). Last evaluated 2025-05-15.

Allele frequency attached by ClinVar (database versions not stated): gnomAD 0.00004 and 0.00003; gnomAD exomes below 0.00001; TOPMed 0.00001.
gnomAD v4.1: 9 of 1,609,322 alleles (0.00056%); highest among the groups gnomAD compares: Admixed American, 0.0067%; no homozygotes.

Submissions (2):

Labcorp Genetics (formerly Invitae), Labcorp
Classification: Uncertain significance. Last evaluated: 2025-05-15. Review status: criteria provided, single submitter. Criteria: Invitae Variant Classification Sherloc (09022015). Collection method: clinical testing. Allele origin: germline.
Comment: This sequence change replaces valine, which is neutral and non-polar, with isoleucine, which is neutral and non-polar, at codon 375 of the GUCY2C protein (p.Val375Ile). This variant is present in population databases (no rsID available, gnomAD 0.1%). This variant has not been reported in the literature in individuals affected with GUCY2C-related conditions. ClinVar contains an entry for this variant (Variation ID: 1677341). Invitae Evidence Modeling of protein sequence and biophysical properties (such as structural, functional, and spatial information, amino acid conservation, physicochemical variation, residue mobility, and thermodynamic stability) indicates that this missense variant is not expected to disrupt GUCY2C protein function with a negative predictive value of 80%. In summary, the available evidence is currently insufficient to determine the role of this variant in disease. Therefore, it has been classified as a Variant of Uncertain Significance.

AiLife Diagnostics
Classification: Uncertain significance. Last evaluated: 2021-07-13. Review status: criteria provided, single submitter. Criteria: ACMG Guidelines, 2015. Collection method: clinical testing. Allele origin: germline. Affected: yes. Observed: 1 variant allele.